The following is an entry in ClinVar:

NM_001081.4(CUBN):c.1004C>T (p.Ala335Val)

Gene: CUBN (cubilin; minus strand). Cytogenetic location: 10p13.
Variant type: single nucleotide variant.
Coding change: c.1004C>T on transcript NM_001081.4 (MANE Select); coding-DNA position 1004, C replaced by T.
Protein change: p.Ala335Val; replaces alanine 335 with valine.
Molecular consequence: missense variant.
Genome position (GRCh38, 1-based): chr10:17,110,930, G>A on the plus strand (C>T on the coding strand, the complement: CUBN is on the minus strand). VCF-style: chr10-17110930-G-A. GRCh37 (hg19) VCF-style: chr10-17152929-G-A.
Other names: short protein forms A335V.
Identifiers: ClinVar variation 3766859 (VCV003766859.1).

ClinVar aggregate classification (germline): Uncertain significance (1 of 4 stars; one submission).

Submission:

ARUP Laboratories, Molecular Genetics and Genomics, ARUP Laboratories
Classification: Uncertain significance. Last evaluated: 2024-09-30. Review status: criteria provided, single submitter. Criteria: ARUP Molecular Germline Variant Investigation Process 2024. Collection method: clinical testing. Allele origin: germline.
Comment: The CUBN c.1004C>T; p.Ala335Val variant, to our knowledge, is not reported in the medical literature or gene specific databases. This variant is also absent from the Genome Aggregation Database (v2.1.1), indicating it is not a common polymorphism. Computational analyses are uncertain whether this variant is neutral or deleterious (REVEL: 0.275). Due to limited information, the clinical significance of this variant is uncertain at this time.